The following is an entry in ClinVar:

ClinVar aggregate classification (germline): Uncertain significance (1 of 4 stars; one submission).

Conditions:
Muscular dystrophy-dystroglycanopathy (congenital with impaired intellectual development), type B, 14. Also called: Muscular dystrophy-dystroglycanopathy (congenital with intellectual disability), type B14; MUSCULAR DYSTROPHY, CONGENITAL, GMPPB-RELATED; Congenital muscular dystrophy-dystroglycanopathy with mental retardation, type B14. Identifiers: MedGen C3809221, MONDO:0014141, OMIM 615351.
Muscular dystrophy-dystroglycanopathy (congenital with brain and eye anomalies), type A14. Also called: WALKER-WARBURG SYNDROME OR MUSCLE-EYE-BRAIN DISEASE, GMPPB-RELATED; Muscular dystrophy-dystroglycanopathy (congenital with brain and eye anomalies), type a, 14; Congenital Muscular Dystrophy-Dystroglycanopathy with Brain and Eye Anomalies Type A 14; Congenital muscular dystrophy-dystroglycanopathy with brain and eye anomalies, type A14. Identifiers: Orphanet 588, MedGen C3809216, MONDO:0014140, OMIM 615350.
Autosomal recessive limb-girdle muscular dystrophy type 2T. Also called: MUSCULAR DYSTROPHY-DYSTROGLYCANOPATHY, LIMB-GIRDLE, GMPPB-RELATED; MUSCULAR DYSTROPHY, LIMB-GIRDLE, TYPE 2T; Muscular dystrophy-dystroglycanopathy (limb-girdle), type c, 14; Limb-girdle muscular dystrophy-dystroglycanopathy, type C14. Identifiers: Orphanet 363623, MedGen C4518000, MONDO:0014142, OMIM 615352.

Allele frequency attached by ClinVar (database versions not stated): gnomAD exomes below 0.00001.

Submission:

Labcorp Genetics (formerly Invitae), Labcorp
Classification: Uncertain significance for Autosomal recessive limb-girdle muscular dystrophy type 2T; Muscular dystrophy-dystroglycanopathy (congenital with brain and eye anomalies), type A14; Muscular dystrophy-dystroglycanopathy (congenital with impaired intellectual development), type B, 14. Last evaluated: 2022-04-25. Review status: criteria provided, single submitter. Criteria: Invitae Variant Classification Sherloc (09022015). Collection method: clinical testing. Allele origin: germline.
Comment: In summary, the available evidence is currently insufficient to determine the role of this variant in disease. Therefore, it has been classified as a Variant of Uncertain Significance. Algorithms developed to predict the effect of missense changes on protein structure and function (SIFT, PolyPhen-2, Align-GVGD) all suggest that this variant is likely to be disruptive. This variant has not been reported in the literature in individuals affected with GMPPB-related conditions. This variant is not present in population databases (gnomAD no frequency). This sequence change replaces glycine, which is neutral and non-polar, with cysteine, which is neutral and slightly polar, at codon 269 of the GMPPB protein (p.Gly269Cys).

NM_021971.4(GMPPB):c.805G>T (p.Gly269Cys)

Gene: GMPPB (GDP-mannose pyrophosphorylase B; minus strand). Cytogenetic location: 3p21.31.
Variant type: single nucleotide variant.
Coding change: c.805G>T on transcript NM_021971.4 (MANE Select); coding-DNA position 805, G replaced by T.
Protein change: p.Gly269Cys; replaces glycine 269 with cysteine.
Molecular consequence: missense variant.
Genome position (GRCh38, 1-based): chr3:49,722,111, C>A on the plus strand (G>T on the coding strand, the complement: GMPPB is on the minus strand). VCF-style: chr3-49722111-C-A. GRCh37 (hg19) VCF-style: chr3-49759544-C-A.
Other names: c.805G>T, p.Gly269Cys (NM_013334.4); short protein forms G269C.
Identifiers: ClinVar variation 2106071 (VCV002106071.4), dbSNP rs2544752758, ClinGen allele CA352827619.
Genomic context (GRCh38, chr3:49,722,111, plus strand): 5'-ACCGCCGGATACACACACCATCTTCGACCACCACGCCAGGTCCCAGGCTCACATTGGGGC[C>A]AATGCTGCAGTTCTGGCCGATGCGGGCACTTGGGTCCTGAGAGCGGTGGGAAAAATACAA-3'
Protein context (NP_068806.2, residues 259-279): SARIGQNCSI[Gly269Cys]PNVSLGPGVV